The following is an entry in ClinVar:

ClinVar aggregate classification (germline): Likely benign. Review status: criteria provided, multiple submitters, no conflicts (2 of 4 stars). 2 submissions from 2 submitters: Likely benign (2). Last evaluated 2026-03-01.

Allele frequency attached by ClinVar (database versions not stated): TOPMed below 0.00001; gnomAD exomes 0.00001; ExAC 0.00002.
gnomAD v4.1: 12 of 1,614,018 alleles (0.00074%); highest among the groups gnomAD compares: South Asian, 0.0011%; no homozygotes.

Submissions (2):

CeGaT Center for Human Genetics Tuebingen
Classification: Likely benign. Last evaluated: 2026-03-01. Review status: criteria provided, single submitter. Criteria: CeGaT Center For Human Genetics Tuebingen Variant Classification Criteria Version 2. Collection method: clinical testing. Allele origin: germline. Affected: yes. Observed: 1 variant allele.
Comment: SRCAP: BP4, BP7

Labcorp Genetics (formerly Invitae), Labcorp
Classification: Likely benign. Last evaluated: 2023-07-07. Review status: criteria provided, single submitter. Criteria: Invitae Variant Classification Sherloc (09022015). Collection method: clinical testing. Allele origin: germline.

NM_006662.3(SRCAP):c.2667C>T (p.Ser889=)

Gene: SRCAP (Snf2 related CREBBP activator protein; plus strand). Cytogenetic location: 16p11.2.
Variant type: single nucleotide variant.
Coding change: c.2667C>T on transcript NM_006662.3 (MANE Select); coding-DNA position 2667, C replaced by T.
Protein change: p.Ser889=; no amino-acid change (serine 889 retained).
Molecular consequence: synonymous variant.
Genome position (GRCh38, 1-based): chr16:30,716,329, C>T. VCF-style: chr16-30716329-C-T. GRCh37 (hg19) VCF-style: chr16-30727650-C-T.
Identifiers: ClinVar variation 1927233 (VCV001927233.9), dbSNP rs774208043, ClinGen allele CA8011282.